The following is an entry in ClinVar:

NM_000059.4(BRCA2):c.2446G>A (p.Glu816Lys)

Gene: BRCA2 (BRCA2 DNA repair associated; plus strand). Cytogenetic location: 13q13.1.
Variant type: single nucleotide variant.
Coding change: c.2446G>A on transcript NM_000059.4 (MANE Select); coding-DNA position 2446, G replaced by A.
Protein change: p.Glu816Lys; replaces glutamic acid 816 with lysine.
Molecular consequence: missense variant.
Genome position (GRCh38, 1-based): chr13:32,336,801, G>A. VCF-style: chr13-32336801-G-A. GRCh37 (hg19) VCF-style: chr13-32910938-G-A.
Other names: p.E816K:GAA>AAA; short protein forms E816K.
Identifiers: ClinVar variation 182189 (VCV000182189.20), dbSNP rs730881514, ClinGen allele CA015314.

ClinVar aggregate classification (germline): Conflicting classifications of pathogenicity. Review status: criteria provided, conflicting classifications (1 of 4 stars). 6 submissions from 6 submitters: Uncertain significance (5); Likely benign (1). Last evaluated 2025-11-13.

Conditions:
Hereditary cancer-predisposing syndrome. Also called: Tumor predisposition; Hereditary Cancer Syndrome; Hereditary neoplastic syndrome; Neoplastic Syndromes, Hereditary. Identifiers: Orphanet 140162, MedGen C0027672, MeSH D009386, MONDO:0015356.
Hereditary breast ovarian cancer syndrome. Also called: Breast and ovarian cancer; Hereditary breast and ovarian cancer; Hereditary breast and/or ovarian cancer syndrome; BRCA1- and BRCA2-Associated Hereditary Breast and Ovarian Cancer; Hereditary breast and ovarian cancer syndrome (HBOC); Hereditary breast and ovarian cancer syndrome. Identifiers: Orphanet 145, MedGen C0677776, MeSH D061325, MONDO:0003582. Disease mechanism: loss of function.

Allele frequency attached by ClinVar (database versions not stated): gnomAD 0.00001.
gnomAD v4.1: 1 of 1,607,342 alleles (0.000062%); highest among the groups gnomAD compares: Admixed American, 0.0017%; no homozygotes.

Submissions (6):

Labcorp Genetics (formerly Invitae), Labcorp
Classification: Uncertain significance for Hereditary breast ovarian cancer syndrome. Last evaluated: 2025-11-13. Review status: criteria provided, single submitter. Criteria: Invitae Variant Classification Sherloc (09022015). Collection method: clinical testing. Allele origin: germline.
Comment: This sequence change replaces glutamic acid, which is acidic and polar, with lysine, which is basic and polar, at codon 816 of the BRCA2 protein (p.Glu816Lys). This variant is not present in population databases (gnomAD no frequency). This variant has not been reported in the literature in individuals affected with BRCA2-related conditions. ClinVar contains an entry for this variant (Variation ID: 182189). Invitae Evidence Modeling of protein sequence and biophysical properties (such as structural, functional, and spatial information, amino acid conservation, physicochemical variation, residue mobility, and thermodynamic stability) indicates that this missense variant is not expected to disrupt BRCA2 protein function with a negative predictive value of 95%. In summary, the available evidence is currently insufficient to determine the role of this variant in disease. Therefore, it has been classified as a Variant of Uncertain Significance.

Women's Health and Genetics/Laboratory Corporation of America, LabCorp
Classification: Uncertain significance. Last evaluated: 2025-02-11. Review status: criteria provided, single submitter. Criteria: LabCorp Variant Classification Summary - May 2015. Collection method: clinical testing. Allele origin: germline.
Comment: Variant summary: BRCA2 c.2446G>A (p.Glu816Lys) results in a conservative amino acid change in the encoded protein sequence. Five of five in-silico tools predict a benign effect of the variant on protein function. The variant was absent in 243424 control chromosomes. The available data on variant occurrences in the general population are insufficient to allow any conclusion about variant significance. To our knowledge, no occurrence of c.2446G>A in individuals affected with Hereditary Breast And Ovarian Cancer Syndrome and no experimental evidence demonstrating its impact on protein function have been reported. ClinVar contains an entry for this variant (Variation ID: 182189). Based on the evidence outlined above, the variant was classified as uncertain significance.

Ambry Genetics
Classification: Uncertain significance for Hereditary cancer-predisposing syndrome. Last evaluated: 2024-08-08. Review status: criteria provided, single submitter. Criteria: Ambry Variant Classification Scheme 2023. Collection method: clinical testing. Allele origin: germline.
Comment: The p.E816K variant (also known as c.2446G>A), located in coding exon 10 of the BRCA2 gene, results from a G to A substitution at nucleotide position 2446. The glutamic acid at codon 816 is replaced by lysine, an amino acid with similar properties. This amino acid position is not well conserved in available vertebrate species. In addition, the in silico prediction for this alteration is inconclusive. Since supporting evidence is limited at this time, the clinical significance of this alteration remains unclear.

University of Washington Department of Laboratory Medicine, University of Washington
Classification: Likely benign for Hereditary cancer-predisposing syndrome. Last evaluated: 2023-03-23. Review status: criteria provided, single submitter. Criteria: Dines et al. (Genet Med. 2020). Collection method: curation. Allele origin: germline.
Comment: Missense variant in a coldspot region where missense variants are very unlikely to be pathogenic (PMID:31911673).

BRCA2 exon 11 coldspot. Reclassification based on statistical prior probability.

Color Diagnostics, LLC DBA Color Health
Classification: Uncertain significance for Hereditary cancer-predisposing syndrome. Last evaluated: 2020-09-15. Review status: criteria provided, single submitter. Criteria: ACMG Guidelines, 2015. Collection method: clinical testing. Allele origin: germline.
Comment: This missense variant replaces glutamic acid with lysine at codon 816 of the BRCA2 protein. Computational prediction suggests that this variant may not impact protein structure and function (internally defined REVEL score threshold <= 0.5, PMID: 27666373). To our knowledge, functional studies have not been reported for this variant. This variant has not been reported in individuals affected with hereditary cancer in the literature. This variant has not been identified in the general population by the Genome Aggregation Database (gnomAD). The available evidence is insufficient to determine the role of this variant in disease conclusively. Therefore, this variant is classified as a Variant of Uncertain Significance.

GeneDx
Classification: Uncertain significance. Last evaluated: 2014-05-15. Review status: criteria provided, single submitter. Criteria: GeneDx Variant Classification (06012015). Collection method: clinical testing. Allele origin: germline. Affected: yes.
Comment: This variant is denoted BRCA2 c.2446G>A at the cDNA level, p.Glu816Lys (E816K) at the protein level, and results in the change of a Glutamic Acid to a Lysine (GAA>AAA). This variant has not, to our knowledge, been published in the literature as pathogenic or benign. BRCA2 Glu816Lys was not observed in approximately 6,500 individuals of European and African American ancestry in the NHLBI Exome Sequencing Project, indicating it is not a common benign variant in these populations. Since Glutamic Acid and Lysine differ in polarity, charge, size or other properties, this is considered a non-conservative amino acid substitution. BRCA2 Glu816Lys occurs at a position that is moderately conserved across species and is located in the region that interacts with Nucleophosmin 1 (UniProt). In addition, in silico analyses predict that this variant is unlikely to alter protein structure or function. Based on currently available information, it is unclear whether BRCA2 Glu816Lys is pathogenic or benign. We consider it to be a variant of uncertain significance.